The following is an entry in ClinVar:

ClinVar aggregate classification (germline): Likely benign (1 of 4 stars; one submission).

Allele frequency attached by ClinVar (database versions not stated): gnomAD exomes below 0.00001; TOPMed below 0.00001; gnomAD 0.00001.
gnomAD v4.1: 2 of 1,600,306 alleles (0.00012%); highest among the groups gnomAD compares: African/African-American, 0.0027%; no homozygotes.

Submission:

GeneDx
Classification: Likely benign. Last evaluated: 2017-07-20. Review status: criteria provided, single submitter. Criteria: GeneDx Variant Classification (06012015). Collection method: clinical testing. Allele origin: germline. Affected: yes.
Comment: This variant is considered likely benign or benign based on one or more of the following criteria: it is a conservative change, it occurs at a poorly conserved position in the protein, it is predicted to be benign by multiple in silico algorithms, and/or has population frequency not consistent with disease.

NM_001035.3(RYR2):c.4275+10T>G

Gene: RYR2 (ryanodine receptor 2; plus strand). Cytogenetic location: 1q43.
Variant type: single nucleotide variant.
Coding change: c.4275+10T>G on transcript NM_001035.3 (MANE Select); 10 bases into the intron after coding-DNA position 4275, T replaced by G.
Molecular consequence: intron variant.
Genome position (GRCh38, 1-based): chr1:237,591,863, T>G. VCF-style: chr1-237591863-T-G. GRCh37 (hg19) VCF-style: chr1-237755163-T-G.
Other names: c.4275+10T>G (LRG_402t1).
Identifiers: ClinVar variation 510909 (VCV000510909.1), dbSNP rs1363424814, ClinGen allele CA529546202.